The following is an entry in ClinVar:

ClinVar aggregate classification (germline): Uncertain significance (1 of 4 stars; one submission).

Conditions:
Autosomal recessive limb-girdle muscular dystrophy type 2J (LGMDR10). Also called: MUSCULAR DYSTROPHY, LIMB-GIRDLE, AUTOSOMAL RECESSIVE 10; Limb-girdle muscular dystrophy, type 2J. Identifiers: Orphanet 140922, MedGen C1837342, MONDO:0012127, OMIM 608807.
Dilated cardiomyopathy 1G (CMD1G). Identifiers: Orphanet 154, MedGen C1858763, MONDO:0011400, OMIM 604145.

Allele frequency attached by ClinVar (database versions not stated): ExAC 0.00001; gnomAD 0.00001; TOPMed 0.00001.
gnomAD v4.1: 24 of 1,613,726 alleles (0.0015%); highest among the groups gnomAD compares: East Asian, 0.0022%; no homozygotes.

Submission:

Labcorp Genetics (formerly Invitae), Labcorp
Classification: Uncertain significance for Dilated cardiomyopathy 1G; Autosomal recessive limb-girdle muscular dystrophy type 2J. Last evaluated: 2025-07-07. Review status: criteria provided, single submitter. Criteria: Invitae Variant Classification Sherloc (09022015). Collection method: clinical testing. Allele origin: germline.
Comment: This sequence change replaces proline, which is neutral and non-polar, with threonine, which is neutral and polar, at codon 34014 of the TTN protein (p.Pro34014Thr). This variant is present in population databases (rs775271604, gnomAD 0.002%). This variant has not been reported in the literature in individuals affected with TTN-related conditions. ClinVar contains an entry for this variant (Variation ID: 1407465). Experimental studies and prediction algorithms are not available or were not evaluated, and the functional significance of this variant is currently unknown. This variant is located in the M band of TTN (PMID: 25589632). Non-truncating variants in this region may be relevant for neuromuscular disorders, but have not been definitively shown to cause cardiomyopathy (PMID: 23975875). In summary, the available evidence is currently insufficient to determine the role of this variant in disease. Therefore, it has been classified as a Variant of Uncertain Significance.

Literature cited by the submitters: PubMed 25589632; PubMed 23975875.

NM_001267550.2(TTN):c.102040C>A (p.Pro34014Thr)

Genes: TTN-AS1 (TTN antisense RNA 1; plus strand), TTN (titin; minus strand). Cytogenetic location: 2q31.2.
Variant type: single nucleotide variant.
Coding change: c.102040C>A on transcript NM_001267550.2 (MANE Select); coding-DNA position 102040, C replaced by A.
Protein change: p.Pro34014Thr; replaces proline 34014 with threonine.
Molecular consequence: missense variant.
Genome position (GRCh38, 1-based): chr2:178,534,575, G>T on the plus strand (C>A on the coding strand, the complement: TTN is on the minus strand). VCF-style: chr2-178534575-G-T. GRCh37 (hg19) VCF-style: chr2-179399302-G-T.
Other names: c.97117C>A, p.Pro32373Thr (NM_001256850.1); c.74845C>A, p.Pro24949Thr (NM_003319.4); c.94336C>A, p.Pro31446Thr (NM_133378.4); c.75220C>A, p.Pro25074Thr (NM_133432.3); c.75421C>A, p.Pro25141Thr (NM_133437.4); short protein forms P25074T, P25141T, P31446T, P24949T, P34014T, P32373T.
Identifiers: ClinVar variation 1407465 (VCV001407465.6), dbSNP rs775271604, ClinGen allele CA1985816.